The following is an entry in ClinVar:

NM_007294.4(BRCA1):c.1962del (p.Lys654fs)

Gene: BRCA1 (BRCA1 DNA repair associated; minus strand). Cytogenetic location: 17q21.31.
Variant type: Deletion.
Coding change: c.1962del on transcript NM_007294.4 (MANE Select); coding-DNA position 1962, one base deleted (G; older notation c.1962delG).
Protein change: p.Lys654fs; shifts the reading frame from lysine 654.
Molecular consequence: frameshift variant. On other transcripts: intron variant (137).
Genome position (GRCh38, 1-based): chr17:43,093,569, C deleted on the plus strand (G on the coding strand, the reverse complement: BRCA1 is on the minus strand). VCF-style (leftmost placement, unchanged base first): chr17-43093568-AC-A. GRCh37 (hg19) VCF-style: chr17-41245585-AC-A.
Other names: c.1749del, p.Lys583fs (NM_001407571.1, NM_001407853.1, NM_001407894.1 and 9 more transcripts); c.1962del, p.Lys654fs (NM_001407581.1, NM_001407582.1, NM_001407583.1 and 30 more transcripts); c.1959del, p.Lys653fs (NM_001407587.1, NM_001407590.1, NM_001407591.1 and 22 more transcripts); c.1953del, p.Lys651fs (NM_001407646.1, NM_001407647.1); c.1839del, p.Lys613fs (NM_001407648.1, NM_001407664.1, NM_001407665.1 and 19 more transcripts); c.1836del, p.Lys612fs (NM_001407649.1, NM_001407670.1, NM_001407671.1 and 11 more transcripts); c.1884del, p.Lys628fs (NM_001407653.1, NM_001407654.1, NM_001407655.1 and 4 more transcripts); c.1881del, p.Lys627fs (NM_001407659.1, NM_001407660.1, NM_001407661.1 and 1 more transcripts); and 40 more; short protein forms K607fs, K654fs, K543fs, K566fs, K584fs, K653fs, K358fs, K527fs.
Identifiers: ClinVar variation 1783465 (VCV001783465.2), dbSNP rs2552195963, ClinGen allele CA2580094105.

ClinVar aggregate classification (germline): Pathogenic (1 of 4 stars; one submission).

Conditions:
Hereditary cancer-predisposing syndrome. Also called: Neoplastic Syndromes, Hereditary; Tumor predisposition; Hereditary Cancer Syndrome; Hereditary neoplastic syndrome. Identifiers: Orphanet 140162, MedGen C0027672, MeSH D009386, MONDO:0015356.

Submission:

Ambry Genetics
Classification: Pathogenic for Hereditary cancer-predisposing syndrome. Last evaluated: 2017-10-23. Review status: criteria provided, single submitter. Criteria: Ambry Variant Classification Scheme 2023. Collection method: clinical testing. Allele origin: germline.
Comment: The c.1962delG pathogenic mutation, located in coding exon 9 of the BRCA1 gene, results from a deletion of one nucleotide at nucleotide position 1962, causing a translational frameshift with a predicted alternate stop codon (p.K654Nfs*47). This alteration is expected to result in loss of function by premature protein truncation or nonsense-mediated mRNA decay. As such, this alteration is interpreted as a disease-causing mutation.